The following is an entry in ClinVar:

ClinVar aggregate classification (germline): Uncertain significance (1 of 4 stars; one submission).

Conditions:
Sulfite oxidase deficiency due to molybdenum cofactor deficiency type C. Also called: Molybdenum cofactor deficiency, complementation group C; Molybdenum cofactor deficiency C. Identifiers: Orphanet 308400, Orphanet 833, MedGen C1854990, MONDO:0014212, OMIM 615501.

gnomAD v4.1: 6 of 1,613,052 alleles (0.00037%); highest among the groups gnomAD compares: Non-Finnish European, 0.00042%; no homozygotes.

Submission:

Labcorp Genetics (formerly Invitae), Labcorp
Classification: Uncertain significance for Sulfite oxidase deficiency due to molybdenum cofactor deficiency type C. Last evaluated: 2024-09-01. Review status: criteria provided, single submitter. Criteria: Invitae Variant Classification Sherloc (09022015). Collection method: clinical testing. Allele origin: germline.
Comment: This sequence change replaces arginine, which is basic and polar, with glycine, which is neutral and non-polar, at codon 305 of the GPHN protein (p.Arg305Gly). The frequency data for this variant in the population databases is considered unreliable, as metrics indicate poor data quality at this position in the gnomAD database. This variant has not been reported in the literature in individuals affected with GPHN-related conditions. An algorithm developed to predict the effect of missense changes on protein structure and function (PolyPhen-2) suggests that this variant is likely to be tolerated. In summary, the available evidence is currently insufficient to determine the role of this variant in disease. Therefore, it has been classified as a Variant of Uncertain Significance.

NM_020806.5(GPHN):c.913C>G (p.Arg305Gly)

Gene: GPHN (gephyrin; plus strand). Cytogenetic location: 14q23.3.
Variant type: single nucleotide variant.
Coding change: c.913C>G on transcript NM_020806.5 (MANE Select); coding-DNA position 913, C replaced by G.
Protein change: p.Arg305Gly; replaces arginine 305 with glycine.
Molecular consequence: missense variant.
Genome position (GRCh38, 1-based): chr14:66,965,275, C>G. VCF-style: chr14-66965275-C-G. GRCh37 (hg19) VCF-style: chr14-67431992-C-G.
Other names: c.853C>G, p.Arg285Gly (NM_001377514.1, NM_001377519.1); c.814C>G, p.Arg272Gly (NM_001377515.1, NM_001377516.1, NM_001377517.1 and 2 more transcripts); short protein forms R285G, R272G, R305G.
Identifiers: ClinVar variation 2750316 (VCV002750316.3), dbSNP rs757052160, ClinGen allele CA263291857.